The following is an entry in ClinVar:

NM_000388.4(CASR):c.493-19T>G

Gene: CASR (calcium sensing receptor; plus strand). Cytogenetic location: 3q21.1.
Variant type: single nucleotide variant.
Coding change: c.493-19T>G on transcript NM_000388.4 (MANE Select); 19 bases into the intron before coding-DNA position 493, T replaced by G.
Molecular consequence: intron variant.
Genome position (GRCh38, 1-based): chr3:122,261,509, T>G. VCF-style: chr3-122261509-T-G. GRCh37 (hg19) VCF-style: chr3-121980356-T-G.
Other names: c.493-19T>G (NM_001178065.2, NM_000388.3).
Identifiers: ClinVar variation 1444041 (VCV001444041.9), dbSNP rs201735609, ClinGen allele CA82738194.

ClinVar aggregate classification (germline): Conflicting classifications of pathogenicity. Review status: criteria provided, conflicting classifications (1 of 4 stars). 2 submissions from 2 submitters: Uncertain significance (1); Likely benign (1). Last evaluated 2024-12-09.

Conditions:
Autosomal dominant hypocalcemia 1 (HYPOC1). Also called: HYPOCALCEMIA, FAMILIAL. Identifiers: MedGen C3715128, MONDO:0011013, OMIM 601198.
Familial hypocalciuric hypercalcemia (FHH). Also called: Familial benign hypercalcemia. Identifiers: Orphanet 405, MedGen C1809471, MONDO:0018458.

Allele frequency attached by ClinVar (database versions not stated): gnomAD exomes 0.00001; TOPMed 0.00002; gnomAD 0.00003.
gnomAD v4.1: 12 of 1,612,916 alleles (0.00074%); highest among the groups gnomAD compares: Non-Finnish European, 0.001%; no homozygotes.

Submissions (2):

Labcorp Genetics (formerly Invitae), Labcorp
Classification: Likely benign for Familial hypocalciuric hypercalcemia; Autosomal dominant hypocalcemia 1. Last evaluated: 2024-12-09. Review status: criteria provided, single submitter. Criteria: Invitae Variant Classification Sherloc (09022015). Collection method: clinical testing. Allele origin: germline.

Athena Diagnostics
Classification: Uncertain significance. Last evaluated: 2024-06-04. Review status: criteria provided, single submitter. Criteria: Athena Diagnostics Criteria. Collection method: clinical testing. Allele origin: unknown.
Comment: Available data are insufficient to determine the clinical significance of the variant at this time. The frequency of this variant in the general population is uninformative in assessment of its pathogenicity. Computational tools yielded predictions that this variant may result in the gain of a cryptic splice site without affecting the natural splice sites.